The following is an entry in ClinVar:

ClinVar aggregate classification (germline): Uncertain significance. Review status: criteria provided, multiple submitters, no conflicts (2 of 4 stars). 2 submissions from 2 submitters: Uncertain significance (2). Last evaluated 2025-07-17.

Conditions:
Inborn genetic diseases. Identifiers: MedGen C0950123, MeSH D030342.
Fanconi anemia complementation group R. Identifiers: MedGen C4284093, MONDO:0014986, OMIM 617244.

Allele frequency attached by ClinVar (database versions not stated): ExAC 0.00002; TOPMed below 0.00001; ESP Exome Variant Server 0.00008.
gnomAD v4.1: 3 of 1,613,872 alleles (0.00019%); highest among the groups gnomAD compares: Non-Finnish European, 0.00017%; no homozygotes.

Submissions (2):

Victorian Clinical Genetics Services, Murdoch Childrens Research Institute
Classification: Uncertain significance for Fanconi anemia complementation group R. Last evaluated: 2025-07-17. Review status: criteria provided, single submitter. Criteria: ACMG Guidelines, 2015. Collection method: clinical testing. Allele origin: germline. Affected: yes.
Comment: This variant is classified as VUS-3A. Evidence in support of pathogenic classification: Variant is present in gnomAD <0.001 for a dominant condition (v4: 3 heterozygote(s), 0 homozygote(s)); Additional information: Variant is predicted to result in a missense amino acid change from Arg to Gln; This variant is heterozygous; This gene is associated with autosomal dominant disease; Alternative amino acid change(s) at the same position are present in gnomAD (Highest allele count: v4: 1 heterozygote(s), 0 homozygote(s)); Previous evidence of pathogenicity for this variant is inconclusive. This variant has been classified as a VUS by a clinical laboratory in ClinVar. - No published evidence of segregation with disease has been identified for this variant; No published functional evidence has been identified for this variant; No comparable missense variants have previous evidence for pathogenicity; Variant is located in the annotated Rad51 domain (DECIPHER); Missense variant with inconclusive in silico prediction and uninformative conservation; Dominant negative and loss of function are known mechanisms of disease in this gene and are associated with complementation group R Fanconi anaemia (MIM#617244) and mirror movements 2 (MIM#614508). Dominant negative variants are associated with Fanconi anaemia, while loss of function variants are associated with mirror movements 2 (OMIM, PMID: 26681308, PMID: 22305526).

Ambry Genetics
Classification: Uncertain significance for Inborn genetic diseases. Last evaluated: 2023-02-08. Review status: criteria provided, single submitter. Criteria: Ambry Variant Classification Scheme 2023. Collection method: clinical testing. Allele origin: germline.
Comment: The p.R254Q variant (also known as c.761G>A), located in coding exon 7 of the RAD51 gene, results from a G to A substitution at nucleotide position 761. The arginine at codon 254 is replaced by glutamine, an amino acid with highly similar properties. This amino acid position is conserved. In addition, the in silico prediction for this alteration is inconclusive. Since supporting evidence is limited at this time, the clinical significance of this alteration remains unclear.

Literature cited by the submitters: PubMed 22305526 (cited by Victorian Clinical Genetics Services, Murdoch Childrens Research Institute); PubMed 26681308 (cited by Victorian Clinical Genetics Services, Murdoch Childrens Research Institute).

NM_002875.5(RAD51):c.761G>A (p.Arg254Gln)

Gene: RAD51 (RAD51 recombinase; plus strand). Cytogenetic location: 15q15.1.
Variant type: single nucleotide variant.
Coding change: c.761G>A on transcript NM_002875.5 (MANE Select); coding-DNA position 761, G replaced by A.
Protein change: p.Arg254Gln; replaces arginine 254 with glutamine.
Molecular consequence: missense variant.
Genome position (GRCh38, 1-based): chr15:40,729,621, G>A. VCF-style: chr15-40729621-G-A. GRCh37 (hg19) VCF-style: chr15-41021819-G-A.
Other names: c.764G>A, p.Arg255Gln (NM_001164269.2, NM_133487.4); c.761G>A, p.Arg254Gln (NM_001164270.2); short protein forms R254Q, R255Q.
Identifiers: ClinVar variation 3222870 (VCV003222870.3), dbSNP rs371150683, ClinGen allele CA7484098.